The following is an entry in ClinVar:

NM_002834.5(PTPN11):c.1380-14C>G

Gene: PTPN11 (protein tyrosine phosphatase non-receptor type 11; plus strand). Cytogenetic location: 12q24.13.
Variant type: single nucleotide variant.
Coding change: c.1380-14C>G on transcript NM_002834.5 (MANE Select); 14 bases into the intron before coding-DNA position 1380, C replaced by G.
Molecular consequence: intron variant.
Genome position (GRCh38, 1-based): chr12:112,488,429, C>G. VCF-style: chr12-112488429-C-G. GRCh37 (hg19) VCF-style: chr12-112926233-C-G.
Other names: c.1392-14C>G (NM_001330437.2); c.1377-14C>G (NM_001374625.1).
Identifiers: ClinVar variation 36707 (VCV000036707.7), dbSNP rs193922657, ClinGen allele CA260521.

ClinVar aggregate classification (germline): Likely benign. Review status: criteria provided, multiple submitters, no conflicts (2 of 4 stars). 2 submissions from 2 submitters: Likely benign (2). Last evaluated 2026-01-15.

Conditions:
RASopathy. Also called: rasopathies; Noonan spectrum disorder. Identifiers: Orphanet 536391, MedGen C5555857, MONDO:0021060.

Allele frequency attached by ClinVar (database versions not stated): gnomAD 0.00001; gnomAD exomes below 0.00001.

Submissions (2):

Labcorp Genetics (formerly Invitae), Labcorp
Classification: Likely benign for RASopathy. Last evaluated: 2026-01-15. Review status: criteria provided, single submitter. Criteria: Invitae Variant Classification Sherloc (09022015). Collection method: clinical testing. Allele origin: germline.

Women's Health and Genetics/Laboratory Corporation of America, LabCorp
Classification: Likely benign. Last evaluated: 2025-01-09. Review status: criteria provided, single submitter. Criteria: LabCorp Variant Classification Summary - May 2015. Collection method: clinical testing. Allele origin: germline.
Comment: Variant summary: PTPN11 c.1380-14C>G alters a non-conserved nucleotide located at a position not widely known to affect splicing. Consensus agreement among computation tools predict no significant impact on normal splicing. However, these predictions have yet to be confirmed by functional studies. The variant was absent in 251172 control chromosomes. The available data on variant occurrences in the general population are insufficient to allow any conclusion about variant significance. To our knowledge, no occurrence of c.1380-14C>G in individuals affected with Noonan Syndrome and no experimental evidence demonstrating its impact on protein function have been reported. ClinVar contains an entry for this variant (Variation ID: 36707). Based on the evidence outlined above, the variant was classified as likely benign.